The following is an entry in ClinVar:

ClinVar aggregate classification (germline): Likely pathogenic (1 of 4 stars; one submission).

Conditions:
Saldino-Mainzer syndrome (SRTD9). Also called: CONORENAL SYNDROME; Renal dysplasia, retinal pigmentary dystrophy, cerebellar ataxia and skeletal dysplasia; SHORT-RIB THORACIC DYSPLASIA 9 WITHOUT POLYDACTYLY; short-rib thoracic dysplasia 9 with or without polydactyly. Identifiers: Orphanet 140969, MedGen C1849437, MONDO:0009964, OMIM 266920.

Submission:

Labcorp Genetics (formerly Invitae), Labcorp
Classification: Likely pathogenic for Saldino-Mainzer syndrome. Last evaluated: 2025-04-16. Review status: criteria provided, single submitter. Criteria: Invitae Variant Classification Sherloc (09022015). Collection method: clinical testing. Allele origin: germline.
Comment: This variant results in the deletion of part of exon 19 (c.2200-1_2200delinsAG) of the IFT140 gene. It is expected to disrupt RNA splicing. Variants that disrupt the donor or acceptor splice site typically lead to a loss of protein function (PMID: 16199547), and loss-of-function variants in IFT140 are known to be pathogenic (PMID: 22503633, 23418020, 24009529, 26216056). Information on the frequency of this variant in the gnomAD database is not available, as this variant may be reported differently in the database. This variant has not been reported in the literature in individuals affected with IFT140-related conditions. ClinVar contains an entry for this variant (Variation ID: 2413899). In summary, the currently available evidence indicates that the variant is pathogenic, but additional data are needed to prove that conclusively. Therefore, this variant has been classified as Likely Pathogenic.

Literature cited by the submitters: PubMed 16199547; PubMed 22503633; PubMed 23418020; PubMed 24009529; PubMed 26216056.

NM_014714.4(IFT140):c.2200-1_2200delinsAG

Gene: IFT140 (intraflagellar transport 140; minus strand). Cytogenetic location: 16p13.3.
Variant type: Indel.
Coding change: c.2200-1_2200delinsAG on transcript NM_014714.4 (MANE Select); the canonical splice acceptor site of the intron before coding-DNA position 2200 through coding-DNA position 2200, GC replaced by AG.
Molecular consequence: splice acceptor variant.
Genome position (GRCh38, 1-based): chr16:1,558,134-1,558,135, GC replaced by CT on the plus strand (GC replaced by AG on the coding strand, the reverse complement: IFT140 is on the minus strand). VCF-style: chr16-1558134-GC-CT. GRCh37 (hg19) VCF-style: chr16-1608135-GC-CT.
Identifiers: ClinVar variation 2413899 (VCV002413899.6), dbSNP rs2507094576, ClinGen allele CA2580090693.